The following is an entry in ClinVar:

NM_004100.5(EYA4):c.1786G>T (p.Val596Leu)

Genes: EYA4 (EYA transcriptional coactivator and phosphatase 4; plus strand), TARID (TCF21 antisense RNA inducing promoter demethylation; minus strand). Cytogenetic location: 6q23.2.
Variant type: single nucleotide variant.
Coding change: c.1786G>T on transcript NM_004100.5 (MANE Select); coding-DNA position 1786, G replaced by T.
Protein change: p.Val596Leu; replaces valine 596 with leucine.
Molecular consequence: missense variant. On other transcripts: intron variant (3).
Genome position (GRCh38, 1-based): chr6:133,525,201, G>T. VCF-style: chr6-133525201-G-T. GRCh37 (hg19) VCF-style: chr6-133846339-G-T.
Other names: c.1804G>T, p.Val602Leu (NM_001301013.2); c.1642G>T, p.Val548Leu (NM_001370459.1); c.1717G>T, p.Val573Leu (NM_172103.4); c.1839+86G>T (NM_172105.4); c.1770+86G>T (NM_001370458.1); c.1677+86G>T (NM_001301012.2); c.1786G>T (NM_004100.4); short protein forms V573L, V548L, V602L, V596L.
Identifiers: ClinVar variation 1470951 (VCV001470951.7), dbSNP rs890246005, ClinGen allele CA365700730.

ClinVar aggregate classification (germline): Uncertain significance. Review status: criteria provided, multiple submitters, no conflicts (2 of 4 stars). 2 submissions from 2 submitters: Uncertain significance (2). Last evaluated 2026-03-29.

Conditions:
Dilated cardiomyopathy 1J (CMD1J). Also called: CARDIOMYOPATHY, DILATED, WITH SENSORINEURAL HEARING LOSS, AUTOSOMAL DOMINANT. Identifiers: Orphanet 217622, MedGen C1854368, MONDO:0011541, OMIM 605362.
Cardiovascular phenotype. Identifiers: MedGen CN230736.

Allele frequency attached by ClinVar (database versions not stated): TOPMed 0.00001.
gnomAD v4.1: 1 of 1,613,820 alleles (0.000062%); highest among the groups gnomAD compares: African/African-American, 0.0013%; no homozygotes.

Submissions (2):

Ambry Genetics
Classification: Uncertain significance for Cardiovascular phenotype. Last evaluated: 2026-03-29. Review status: criteria provided, single submitter. Criteria: Ambry Variant Classification Scheme 2023. Collection method: clinical testing. Allele origin: germline.
Comment: The p.V596L variant (also known as c.1786G>T), located in coding exon 18 of the EYA4 gene, results from a G to T substitution at nucleotide position 1786. The valine at codon 596 is replaced by leucine, an amino acid with highly similar properties. This amino acid position is conserved. In addition, this alteration is predicted to be deleterious by in silico analysis. Based on the available evidence, the clinical significance of this variant remains unclear.

Labcorp Genetics (formerly Invitae), Labcorp
Classification: Uncertain significance for Dilated cardiomyopathy 1J. Last evaluated: 2022-03-22. Review status: criteria provided, single submitter. Criteria: Invitae Variant Classification Sherloc (09022015). Collection method: clinical testing. Allele origin: germline.
Comment: In summary, the available evidence is currently insufficient to determine the role of this variant in disease. Therefore, it has been classified as a Variant of Uncertain Significance. Algorithms developed to predict the effect of missense changes on protein structure and function (SIFT, PolyPhen-2, Align-GVGD) all suggest that this variant is likely to be tolerated. This variant has not been reported in the literature in individuals affected with EYA4-related conditions. This variant is not present in population databases (gnomAD no frequency). This sequence change replaces valine, which is neutral and non-polar, with leucine, which is neutral and non-polar, at codon 596 of the EYA4 protein (p.Val596Leu).